The following is an entry in ClinVar:

ClinVar aggregate classification (germline): Conflicting classifications of pathogenicity. Review status: criteria provided, conflicting classifications (1 of 4 stars). 10 submissions from 10 submitters: Uncertain significance (3); Likely benign (7). Last evaluated 2026-03-21.

Conditions:
Cardiovascular phenotype. Identifiers: MedGen CN230736.
TTN-related disorder. Also called: TTN-related disorders; TTN-related condition; TTN-related disease.
Dilated cardiomyopathy 1G (CMD1G). Identifiers: Orphanet 154, MedGen C1858763, MONDO:0011400, OMIM 604145.
Autosomal recessive limb-girdle muscular dystrophy type 2J (LGMDR10). Also called: MUSCULAR DYSTROPHY, LIMB-GIRDLE, AUTOSOMAL RECESSIVE 10; Limb-girdle muscular dystrophy, type 2J. Identifiers: Orphanet 140922, MedGen C1837342, MONDO:0012127, OMIM 608807.
Limb-girdle muscular dystrophy (LGMD). Also called: Muscular Dystrophies, Limb-Girdle. Identifiers: Orphanet 263, MedGen C0686353, MeSH D049288, MONDO:0016971, HP:0006785.

Allele frequency attached by ClinVar (database versions not stated): gnomAD exomes 0.00003 and 0.00007; ExAC 0.00012; gnomAD 0.00026; TOPMed 0.00032; ESP Exome Variant Server 0.00042; 1000 Genomes Project 30x 0.00062; 1000 Genomes Project 0.00080.

Submissions (10):

PreventionGenetics, part of Exact Sciences
Classification: Uncertain significance for TTN-related condition. Last evaluated: 2026-03-21. Review status: criteria provided, single submitter. Criteria: ACMG Guidelines, 2015. Collection method: clinical testing. Allele origin: germline.
Comment: The TTN c.90382A>T variant is predicted to result in the amino acid substitution p.Thr30128Ser. To our knowledge, this variant has not been reported in the literature. This variant is reported in 0.095% of alleles in individuals of African descent in gnomAD. Although we suspect that this variant may be benign, at this time, the clinical significance of this variant is uncertain due to the absence of conclusive functional and genetic evidence.

Labcorp Genetics (formerly Invitae), Labcorp
Classification: Likely benign for Dilated cardiomyopathy 1G; Autosomal recessive limb-girdle muscular dystrophy type 2J. Last evaluated: 2026-01-27. Review status: criteria provided, single submitter. Criteria: Invitae Variant Classification Sherloc (09022015). Collection method: clinical testing. Allele origin: germline.

Women's Health and Genetics/Laboratory Corporation of America, LabCorp
Classification: Likely benign. Last evaluated: 2025-11-04. Review status: criteria provided, single submitter. Criteria: LabCorp Variant Classification Summary - May 2015. Collection method: clinical testing. Allele origin: germline.
Comment: Variant summary: TTN c.82678A>T (p.Thr27560Ser) results in a conservative amino acid change in the encoded protein sequence. Algorithms developed to predict the effect of missense changes on protein structure and function are either unavailable or do not agree on the potential impact of this missense change. The variant allele was found at a frequency of 7.2e-05 in 248418 control chromosomes, predominantly at a frequency of 0.0011 within the African or African-American subpopulation in the gnomAD database. The observed variant frequency within African or African-American control individuals in the gnomAD database exceeds the estimated maximal expected allele frequency for disease-causing variants in TTN. To our knowledge, no occurrence of c.82678A>T in individuals affected with TTN-related conditions and no experimental evidence demonstrating its impact on protein function have been reported. ClinVar contains an entry for this variant (Variation ID: 696695). Based on the evidence outlined above, the variant was classified as likely benign.

Molecular Diagnostic Laboratory for Inherited Cardiovascular Disease, Montreal Heart Institute
Classification: Likely benign. Last evaluated: 2025-04-09. Review status: criteria provided, single submitter. Criteria: ACMG Guidelines, 2015. Collection method: clinical testing. Allele origin: germline. Affected: no.

ARUP Laboratories, Molecular Genetics and Genomics, ARUP Laboratories
Classification: Uncertain significance. Last evaluated: 2021-01-20. Review status: criteria provided, single submitter. Criteria: ARUP Molecular Germline Variant Investigation Process 2021. Collection method: clinical testing. Allele origin: germline.
Comment: The TTN c.90382A>T; p.Thr30128Ser variant (rs183939928; ClinVar Variation ID: 696695) is rare in the general population (<0.2% allele frequency in the Genome Aggregation Database) and has not been reported in the medical literature in association with dilated cardiomyopathy (DCM) or other TTN-related disease. The clinical relevance of rare missense variants in this gene, which are identified on average once per individual sequenced in affected populations (Herman 2012), is not well understood. Yet, evidence suggests that the vast majority of such missense variants do not contribute to the clinical outcome of DCM (Begay 2015). Thus, the clinical significance of the p.Thr30128Ser variant cannot be determined with certainty.

Revvity Omics, Revvity
Classification: Uncertain significance. Last evaluated: 2020-07-28. Review status: criteria provided, single submitter. Criteria: ACMG Guidelines, 2015. Collection method: clinical testing. Allele origin: germline.

GeneDx
Classification: Likely benign. Last evaluated: 2020-03-31. Review status: criteria provided, single submitter. Criteria: GeneDx Variant Classification Process June 2021. Collection method: clinical testing. Allele origin: germline. Affected: yes.

Ambry Genetics
Classification: Likely benign for Cardiovascular phenotype. Last evaluated: 2020-01-31. Review status: criteria provided, single submitter. Criteria: Ambry Variant Classification Scheme 2023. Collection method: clinical testing. Allele origin: germline.

Cambridge Genomics Laboratory, East Genomic Laboratory Hub, NHS Genomic Medicine Service
Classification: Likely benign for Limb-girdle muscular dystrophy. Last evaluated: 2019-09-03. Review status: criteria provided, single submitter. Criteria: ACGS Best Practice Guidelines for Variant Classification in Rare Disease 2020. Collection method: clinical testing. Allele origin: germline. Affected: yes. Observed: 1 variant allele.

Athena Diagnostics
Classification: Likely benign. Last evaluated: 2018-11-14. Review status: criteria provided, single submitter. Criteria: Athena Diagnostics Criteria. Collection method: clinical testing. Allele origin: germline.

NM_001267550.2(TTN):c.90382A>T (p.Thr30128Ser)

Genes: TTN-AS1 (TTN antisense RNA 1; plus strand), TTN (titin; minus strand). Cytogenetic location: 2q31.2.
Variant type: single nucleotide variant.
Coding change: c.90382A>T on transcript NM_001267550.2 (MANE Select); coding-DNA position 90382, A replaced by T.
Protein change: p.Thr30128Ser; replaces threonine 30128 with serine.
Molecular consequence: missense variant.
Genome position (GRCh38, 1-based): chr2:178,552,518, T>A on the plus strand (A>T on the coding strand, the complement: TTN is on the minus strand). VCF-style: chr2-178552518-T-A. GRCh37 (hg19) VCF-style: chr2-179417245-T-A.
Other names: c.85459A>T, p.Thr28487Ser (NM_001256850.1); c.63187A>T, p.Thr21063Ser (NM_003319.4); c.82678A>T, p.Thr27560Ser (NM_133378.4); c.63562A>T, p.Thr21188Ser (NM_133432.3); c.63763A>T, p.Thr21255Ser (NM_133437.4); short protein forms T21063S, T30128S, T21188S, T27560S, T28487S, T21255S.
Identifiers: ClinVar variation 696695 (VCV000696695.29), dbSNP rs183939928, ClinGen allele CA1987795.